The following is an entry in ClinVar:

NM_001282531.3(ADNP):c.338C>T (p.Thr113Ile)

Gene: ADNP (activity dependent neuroprotector homeobox; minus strand). Cytogenetic location: 20q13.13.
Variant type: single nucleotide variant.
Coding change: c.338C>T on transcript NM_001282531.3 (MANE Select); coding-DNA position 338, C replaced by T.
Protein change: p.Thr113Ile; replaces threonine 113 with isoleucine.
Molecular consequence: missense variant.
Genome position (GRCh38, 1-based): chr20:50,894,376, G>A on the plus strand (C>T on the coding strand, the complement: ADNP is on the minus strand). VCF-style: chr20-50894376-G-A. GRCh37 (hg19) VCF-style: chr20-49510913-G-A.
Other names: c.338C>T, p.Thr113Ile (NM_001282532.2, NM_001347511.2, NM_015339.5 and 1 more transcripts); short protein forms T113I.
Identifiers: ClinVar variation 3897069 (VCV003897069.1).

ClinVar aggregate classification (germline): Uncertain significance (1 of 4 stars; one submission).

Submission:

GeneDx
Classification: Uncertain significance. Last evaluated: 2024-10-31. Review status: criteria provided, single submitter. Criteria: GeneDx Variant Classification Process June 2021. Collection method: clinical testing. Allele origin: germline. Affected: yes.
Comment: Not observed at significant frequency in large population cohorts (gnomAD); In silico analysis indicates that this missense variant does not alter protein structure/function; Has not been previously published as pathogenic or benign to our knowledge